The following is an entry in ClinVar:

NM_005221.6(DLX5):c.826_832del (p.Leu277fs)

Gene: DLX5 (distal-less homeobox 5; minus strand). Cytogenetic location: 7q21.3.
Variant type: Deletion.
Coding change: c.826_832del on transcript NM_005221.6 (MANE Select); coding-DNA positions 826 to 832, 7 bases deleted (TCCTTAC; older notation c.826_832delTCCTTAC).
Protein change: p.Leu277fs; shifts the reading frame from leucine 277.
Molecular consequence: frameshift variant.
Genome position (GRCh38, 1-based): chr7:97,020,774-97,020,780, GTAAGGA deleted on the plus strand (TCCTTAC on the coding strand, the reverse complement: DLX5 is on the minus strand); deleting any 7 consecutive bases within chr7:97,020,774-97,020,781 gives the same sequence; the c. name uses the placement nearest the transcript's 3' end. VCF-style (leftmost placement, unchanged base first): chr7-97020773-TGTAAGGA-T. GRCh37 (hg19) VCF-style: chr7-96650085-TGTAAGGA-T.
Other names: short protein forms L277fs.
Identifiers: ClinVar variation 4714382 (VCV004714382.1).

ClinVar aggregate classification (germline): Uncertain significance (1 of 4 stars; one submission).

Submission:

Labcorp Genetics (formerly Invitae), Labcorp
Classification: Uncertain significance. Last evaluated: 2025-07-07. Review status: criteria provided, single submitter. Criteria: Invitae Variant Classification Sherloc (09022015). Collection method: clinical testing. Allele origin: germline.
Comment: This sequence change is expected to alter the c-terminus of the DLX5 protein (p.Leu277Thrfs*30). While this is not anticipated to result in nonsense mediated decay, it is expected to disrupt the last 13 amino acid(s) of the DLX5 protein and extend the protein by 16 additional amino acid residues. This variant is not present in population databases (gnomAD no frequency). This variant has not been reported in the literature in individuals affected with DLX5-related conditions. Experimental studies and prediction algorithms are not available or were not evaluated, and the functional significance of this variant is currently unknown. In summary, the available evidence is currently insufficient to determine the role of this variant in disease. Therefore, it has been classified as a Variant of Uncertain Significance.